The following is an entry in ClinVar:

NM_020800.3(IFT80):c.2156G>A (p.Arg719His)

Genes: IFT80 (intraflagellar transport 80; minus strand), TRIM59-IFT80 (TRIM59-IFT80 readthrough (NMD candidate); minus strand). Cytogenetic location: 3q25.33.
Variant type: single nucleotide variant.
Coding change: c.2156G>A on transcript NM_020800.3 (MANE Select); coding-DNA position 2156, G replaced by A.
Protein change: p.Arg719His; replaces arginine 719 with histidine.
Molecular consequence: missense variant. On other transcripts: non-coding transcript variant (3).
Genome position (GRCh38, 1-based): chr3:160,268,480, C>T on the plus strand (G>A on the coding strand, the complement: IFT80 is on the minus strand). VCF-style: chr3-160268480-C-T. GRCh37 (hg19) VCF-style: chr3-159986268-C-T.
Other names: c.1745G>A, p.Arg582His (NM_001190241.2, NM_001190242.2); short protein forms R582H, R719H.
Identifiers: ClinVar variation 702122 (VCV000702122.25), dbSNP rs551983792, ClinGen allele CA2684950.
Genomic context (GRCh38, chr3:160,268,480, plus strand): 5'-GCATAATGCAAGTATCGTTTATTAGTTTCCTGTTTACCAAATGTCTCCAAAAACTTTTGA[C>T]GGTAAGCAAGAACTGTATCAACATGTGTTTTGTATTTTACAGCCAATTCCAGTGCCCTAT-3'
Protein context (NP_065851.1, residues 709-729): KTHVDTVLAY[Arg719His]QKFLETFGKQ

ClinVar aggregate classification (germline): Conflicting classifications of pathogenicity. Review status: criteria provided, conflicting classifications (1 of 4 stars). 9 submissions from 9 submitters: Uncertain significance (3); Likely benign (3). 3 of the submissions do not count toward it. Last evaluated 2026-01-08.

Conditions:
IFT80-related disorder. Also called: IFT80-related condition.
Connective tissue disorder. Also called: Connective tissue disease. Identifiers: MedGen C0009782, MONDO:0003900.
Inborn genetic diseases. Identifiers: MedGen C0950123, MeSH D030342.
Jeune thoracic dystrophy. Also called: Jeune syndrome; Infantile thoracic dystrophy; Thoracic pelvic phalangeal dystrophy; Jeune's syndrome; Chondroectodermal dysplasia-like syndrome; Short-rib thoracic dysplasia. Identifiers: Orphanet 474, MedGen C0265275, MONDO:0018770.
Asphyxiating thoracic dystrophy 2 (SRTD2). Also called: SHORT-RIB THORACIC DYSPLASIA 2 WITH OR WITHOUT POLYDACTYLY; SHORT-RIB THORACIC DYSPLASIA 2 WITH POLYDACTYLY; SHORT-RIB THORACIC DYSPLASIA 2 WITHOUT POLYDACTYLY. Identifiers: Orphanet 474, MedGen C1970005, MONDO:0012644, OMIM 611263.

Allele frequency attached by ClinVar (database versions not stated): gnomAD 0.00005 and 0.00014; TOPMed 0.00006; gnomAD exomes 0.00022 and 0.00037; ExAC 0.00043; 1000 Genomes Project 30x 0.00078; 1000 Genomes Project 0.00100.
gnomAD v4.1: 346 of 1,613,084 alleles (0.021%); highest among the groups gnomAD compares: South Asian, 0.32%; 6 homozygotes.

Submissions (9):

PreventionGenetics, part of Exact Sciences
Classification: Likely benign for IFT80-related condition. Last evaluated: 2026-01-08. Review status: criteria provided, single submitter. Criteria: ACMG Guidelines, 2015. Collection method: clinical testing. Allele origin: germline.
Comment: This variant is classified as likely benign based on ACMG/AMP sequence variant interpretation guidelines (Richards et al. 2015 PMID: 25741868, with internal and published modifications).

Labcorp Genetics (formerly Invitae), Labcorp
Classification: Likely benign for Jeune thoracic dystrophy. Last evaluated: 2025-06-19. Review status: criteria provided, single submitter. Criteria: Invitae Variant Classification Sherloc (09022015). Collection method: clinical testing. Allele origin: germline.

Fulgent Genetics
Classification: Uncertain significance for Asphyxiating thoracic dystrophy 2. Last evaluated: 2024-05-03. Review status: criteria provided, single submitter. Criteria: ACMG Guidelines, 2015. Collection method: clinical testing. Allele origin: germline.

Ambry Genetics
Classification: Uncertain significance for Inborn genetic diseases. Last evaluated: 2024-03-31. Review status: criteria provided, single submitter. Criteria: Ambry Variant Classification Scheme 2023. Collection method: clinical testing. Allele origin: germline.

Genome Diagnostics Laboratory, The Hospital for Sick Children
Classification: Likely benign for Connective tissue disorder. Last evaluated: 2021-11-01. Review status: criteria provided, single submitter. Criteria: ACMG Guidelines, 2015. Collection method: clinical testing. Allele origin: germline.

Illumina Laboratory Services, Illumina
Classification: Uncertain significance for Asphyxiating thoracic dystrophy 2. Last evaluated: 2018-01-13. Review status: criteria provided, single submitter. Criteria: ICSL Variant Classification Criteria 13 December 2019. Collection method: clinical testing. Allele origin: germline.

Clinical Genetics DNA and cytogenetics Diagnostics Lab, Erasmus MC, Erasmus Medical Center
Classification: Uncertain significance. Review status: no assertion criteria provided. Collection method: clinical testing. Allele origin: germline. Affected: yes. Study: VKGL Data-share Consensus. Not counted in ClinVar's aggregate classification.

Joint Genome Diagnostic Labs from Nijmegen and Maastricht, Radboudumc and MUMC+
Classification: Uncertain significance. Review status: no assertion criteria provided. Collection method: clinical testing. Allele origin: germline. Affected: yes. Study: VKGL Data-share Consensus. Not counted in ClinVar's aggregate classification.

Laboratory of Diagnostic Genome Analysis, Leiden University Medical Center (LUMC)
Classification: Uncertain significance. Review status: no assertion criteria provided. Collection method: clinical testing. Allele origin: germline. Affected: yes. Study: VKGL Data-share Consensus. Not counted in ClinVar's aggregate classification.